The following is an entry in ClinVar:

ClinVar aggregate classification (germline): Uncertain significance (1 of 4 stars; one submission).

Conditions:
Achondrogenesis, type IA (ACG1A). Identifiers: Orphanet 932, Orphanet 93299, MedGen C0265273, MONDO:0008701, OMIM 200600.

Allele frequency attached by ClinVar (database versions not stated): ExAC 0.00001.
gnomAD v4.1: 6 of 1,614,144 alleles (0.00037%); highest among the groups gnomAD compares: Admixed American, 0.01%; no homozygotes.

Submission:

Labcorp Genetics (formerly Invitae), Labcorp
Classification: Uncertain significance for Achondrogenesis, type IA. Last evaluated: 2024-01-22. Review status: criteria provided, single submitter. Criteria: Invitae Variant Classification Sherloc (09022015). Collection method: clinical testing. Allele origin: germline.
Comment: This sequence change replaces glutamic acid, which is acidic and polar, with lysine, which is basic and polar, at codon 1340 of the TRIP11 protein (p.Glu1340Lys). This variant is present in population databases (rs754076117, gnomAD 0.009%). This variant has not been reported in the literature in individuals affected with TRIP11-related conditions. Advanced modeling of protein sequence and biophysical properties (such as structural, functional, and spatial information, amino acid conservation, physicochemical variation, residue mobility, and thermodynamic stability) performed at Invitae indicates that this missense variant is not expected to disrupt TRIP11 protein function with a negative predictive value of 80%. In summary, the available evidence is currently insufficient to determine the role of this variant in disease. Therefore, it has been classified as a Variant of Uncertain Significance.

NM_004239.4(TRIP11):c.4018G>A (p.Glu1340Lys)

Gene: TRIP11 (thyroid hormone receptor interactor 11; minus strand). Cytogenetic location: 14q32.12.
Variant type: single nucleotide variant.
Coding change: c.4018G>A on transcript NM_004239.4 (MANE Select); coding-DNA position 4018, G replaced by A.
Protein change: p.Glu1340Lys; replaces glutamic acid 1340 with lysine.
Molecular consequence: missense variant.
Genome position (GRCh38, 1-based): chr14:92,003,958, C>T on the plus strand (G>A on the coding strand, the complement: TRIP11 is on the minus strand). VCF-style: chr14-92003958-C-T. GRCh37 (hg19) VCF-style: chr14-92470302-C-T.
Other names: c.4015G>A, p.Glu1339Lys (NM_001321851.1); short protein forms E1340K, E1339K.
Identifiers: ClinVar variation 2728918 (VCV002728918.2), dbSNP rs754076117, ClinGen allele CA7313539.